The following is an entry in ClinVar:

ClinVar aggregate classification (germline): Uncertain significance (1 of 4 stars; one submission).

Conditions:
Ullrich congenital muscular dystrophy 2 (UCMD2). Identifiers: Orphanet 75840, MedGen C4225314, MONDO:0014654, OMIM 616470.
Bethlem myopathy 2 (BTHLM2). Identifiers: Orphanet 536516, Orphanet 610, MedGen C4225313, MONDO:0034022, OMIM 616471.

Submission:

Labcorp Genetics (formerly Invitae), Labcorp
Classification: Uncertain significance for Bethlem myopathy 2; Ullrich congenital muscular dystrophy 2. Last evaluated: 2021-06-15. Review status: criteria provided, single submitter. Criteria: Invitae Variant Classification Sherloc (09022015). Collection method: clinical testing. Allele origin: germline.
Comment: In summary, the available evidence is currently insufficient to determine the role of this variant in disease. Therefore, it has been classified as a Variant of Uncertain Significance. Algorithms developed to predict the effect of missense changes on protein structure and function are either unavailable or do not agree on the potential impact of this missense change (SIFT: "Deleterious"; PolyPhen-2: "Probably Damaging"; Align-GVGD: "Class C15"). This variant has not been reported in the literature in individuals with COL12A1-related conditions. This variant is not present in population databases (ExAC no frequency). This sequence change replaces serine with phenylalanine at codon 2232 of the COL12A1 protein (p.Ser2232Phe). The serine residue is highly conserved and there is a large physicochemical difference between serine and phenylalanine.

NM_004370.6(COL12A1):c.6695C>T (p.Ser2232Phe)

Gene: COL12A1 (collagen type XII alpha 1 chain; minus strand). Cytogenetic location: 6q13.
Variant type: single nucleotide variant.
Coding change: c.6695C>T on transcript NM_004370.6 (MANE Select); coding-DNA position 6695, C replaced by T.
Protein change: p.Ser2232Phe; replaces serine 2232 with phenylalanine.
Molecular consequence: missense variant.
Genome position (GRCh38, 1-based): chr6:75,124,284, G>A on the plus strand (C>T on the coding strand, the complement: COL12A1 is on the minus strand). VCF-style: chr6-75124284-G-A. GRCh37 (hg19) VCF-style: chr6-75834000-G-A.
Other names: c.3203C>T, p.Ser1068Phe (NM_080645.3); short protein forms S2232F, S1068F.
Identifiers: ClinVar variation 1460967 (VCV001460967.8), dbSNP rs1765905733, ClinGen allele CA364728884.